The following is an entry in ClinVar:

ClinVar aggregate classification (germline): Uncertain significance (1 of 4 stars; one submission).

Conditions:
Epidermolysis bullosa simplex 5B, with muscular dystrophy (EBS5B). Also called: Epidermolysis bullosa simplex with muscular dystrophy; EPIDERMOLYSIS BULLOSA SIMPLEX AND LIMB-GIRDLE MUSCULAR DYSTROPHY. Identifiers: Orphanet 257, MedGen C2931072, MONDO:0009181, OMIM 226670.
Autosomal recessive limb-girdle muscular dystrophy type 2Q (LGMDR17). Also called: MUSCULAR DYSTROPHY, LIMB-GIRDLE, AUTOSOMAL RECESSIVE 17. Identifiers: Orphanet 254361, MedGen C3150989, MONDO:0013390, OMIM 613723.
Epidermolysis bullosa simplex with nail dystrophy (EBS5D). Identifiers: MedGen C4225309, MONDO:0014661, OMIM 616487.
Epidermolysis bullosa simplex 5C, with pyloric atresia (EBS5C). Also called: Epidermolysis bullosa simplex with pyloric atresia; PLEC-Related Epidermolysis Bullosa with Pyloric Atresia; PLEC1-Related Epidermolysis Bullosa with Pyloric Atresia. Identifiers: Orphanet 158684, MedGen C2677349, MONDO:0012807, OMIM 612138.
Epidermolysis bullosa simplex, Ogna type (EBS5A). Also called: EPIDERMOLYSIS BULLOSA SIMPLEX 5A, OGNA TYPE; Pidermolysis bullosa simplex 5A, Ogna type. Identifiers: Orphanet 79401, MedGen C0432317, MONDO:0007555, OMIM 131950.

Submission:

Labcorp Genetics (formerly Invitae), Labcorp
Classification: Uncertain significance for Autosomal recessive limb-girdle muscular dystrophy type 2Q; Epidermolysis bullosa simplex, Ogna type; Epidermolysis bullosa simplex with nail dystrophy; Epidermolysis bullosa simplex 5C, with pyloric atresia; Epidermolysis bullosa simplex 5B, with muscular dystrophy. Last evaluated: 2022-08-16. Review status: criteria provided, single submitter. Criteria: Invitae Variant Classification Sherloc (09022015). Collection method: clinical testing. Allele origin: germline.
Comment: In summary, the available evidence is currently insufficient to determine the role of this variant in disease. Therefore, it has been classified as a Variant of Uncertain Significance. Algorithms developed to predict the effect of missense changes on protein structure and function are either unavailable or do not agree on the potential impact of this missense change (SIFT: "Deleterious"; PolyPhen-2: "Probably Damaging"; Align-GVGD: "Class C0"). ClinVar contains an entry for this variant (Variation ID: 1499110). This variant has not been reported in the literature in individuals affected with PLEC-related conditions. This variant is not present in population databases (gnomAD no frequency). This sequence change replaces valine, which is neutral and non-polar, with leucine, which is neutral and non-polar, at codon 3505 of the PLEC protein (p.Val3505Leu).

NM_201384.3(PLEC):c.10432G>T (p.Val3478Leu)

Gene: PLEC (plectin; minus strand). Cytogenetic location: 8q24.3.
Variant type: single nucleotide variant.
Coding change: c.10432G>T on transcript NM_201384.3 (MANE Select); coding-DNA position 10432, G replaced by T.
Protein change: p.Val3478Leu; replaces valine 3478 with leucine.
Molecular consequence: missense variant.
Genome position (GRCh38, 1-based): chr8:143,919,389, C>A on the plus strand (G>T on the coding strand, the complement: PLEC is on the minus strand). VCF-style: chr8-143919389-C-A. GRCh37 (hg19) VCF-style: chr8-144993557-C-A.
Other names: c.10513G>T, p.Val3505Leu (NM_000445.5); c.10390G>T, p.Val3464Leu (NM_201378.4); c.10366G>T, p.Val3456Leu (NM_201379.3); c.10843G>T, p.Val3615Leu (NM_201380.4); c.10336G>T, p.Val3446Leu (NM_201381.3); c.10432G>T, p.Val3478Leu (NM_201382.4); c.10444G>T, p.Val3482Leu (NM_201383.3); short protein forms V3478L, V3456L, V3505L, V3615L, V3482L, V3446L, V3464L.
Identifiers: ClinVar variation 1499110 (VCV001499110.6), dbSNP rs375766567, ClinGen allele CA372499146.